The following is an entry in ClinVar:

NM_001130144.3(LTBP3):c.536_537del (p.Val179fs)

Gene: LTBP3 (latent transforming growth factor beta binding protein 3; minus strand). Cytogenetic location: 11q13.1.
Variant type: Microsatellite.
Coding change: c.536_537del on transcript NM_001130144.3 (MANE Select); coding-DNA positions 536 to 537, 2 bases deleted (TG; older notation c.536_537delTG).
Protein change: p.Val179fs; shifts the reading frame from valine 179.
Molecular consequence: frameshift variant.
Genome position (GRCh38, 1-based): chr11:65,554,175-65,554,176, CA deleted on the plus strand (TG on the coding strand, the reverse complement: LTBP3 is on the minus strand); deleting any 2 consecutive bases within chr11:65,554,175-65,554,178 gives the same sequence; the c. name uses the placement nearest the transcript's 3' end. VCF-style (leftmost placement, unchanged base first): chr11-65554174-CCA-C. GRCh37 (hg19) VCF-style: chr11-65321645-CCA-C.
Other names: c.185_186del, p.Val62fs (NM_001164266.1); c.536_537del, p.Val179fs (NM_021070.4); short protein forms V62fs, V179fs.
Identifiers: ClinVar variation 1387276 (VCV001387276.6), dbSNP rs2135159627, ClinGen allele CA2574876203.

ClinVar aggregate classification (germline): Pathogenic (1 of 4 stars; one submission).

Conditions:
Brachyolmia-amelogenesis imperfecta syndrome. Also called: PLATYSPONDYLY WITH AMELOGENESIS IMPERFECTA; Tooth agenesis, selective, 6; Dental anomalies and short stature. Identifiers: Orphanet 2899, MedGen C1832594, MONDO:0011018, OMIM 601216. Disease mechanism: loss of function.

Submission:

Labcorp Genetics (formerly Invitae), Labcorp
Classification: Pathogenic for Brachyolmia-amelogenesis imperfecta syndrome. Last evaluated: 2022-06-13. Review status: criteria provided, single submitter. Criteria: Invitae Variant Classification Sherloc (09022015). Collection method: clinical testing. Allele origin: germline.
Comment: For these reasons, this variant has been classified as Pathogenic. This variant has not been reported in the literature in individuals affected with LTBP3-related conditions. This variant is not present in population databases (gnomAD no frequency). This sequence change creates a premature translational stop signal (p.Val179Glyfs*14) in the LTBP3 gene. It is expected to result in an absent or disrupted protein product. Loss-of-function variants in LTBP3 are known to be pathogenic (PMID: 11790802, 19344874, 25669657).

Literature cited by the submitters: PubMed 11790802; PubMed 19344874; PubMed 25669657.